The following is an entry in ClinVar:

ClinVar aggregate classification (germline): Benign. Review status: criteria provided, multiple submitters, no conflicts (2 of 4 stars). 3 submissions from 2 submitters: Benign (3). Last evaluated 2018-01-13.

Conditions:
Primary open angle glaucoma (POAG). Also called: OPTN-related open angle glaucoma. Identifiers: MedGen C0339573, MONDO:0100553, OMIM 137760.
Amyotrophic lateral sclerosis type 12 (ALS12). Also called: AMYOTROPHIC LATERAL SCLEROSIS 12 WITH OR WITHOUT FRONTOTEMPORAL DEMENTIA. Identifiers: Orphanet 803, MedGen C3150692, MONDO:0013264, OMIM 613435.

Allele frequency attached by ClinVar (database versions not stated): 1000 Genomes Project 30x 0.35868; gnomAD 0.36614 and 0.36888; gnomAD exomes 0.30143; TOPMed 0.37481; 1000 Genomes Project 0.35463.
gnomAD v4.1: 55,958 of 153,162 alleles (37%); highest among the groups gnomAD compares: Middle Eastern, 42%; 10,301 homozygotes.

Submissions (3):

Illumina Laboratory Services, Illumina
Classification: Benign for Amyotrophic lateral sclerosis type 12. Last evaluated: 2018-01-13. Review status: criteria provided, single submitter. Criteria: ICSL Variant Classification Criteria 13 December 2019. Collection method: clinical testing. Allele origin: germline.
Comment: This variant was observed in the ICSL laboratory as part of a predisposition screen in an ostensibly healthy population. It had not been previously curated by ICSL or reported in the Human Gene Mutation Database (HGMD: prior to June 1st, 2018), and was therefore a candidate for classification through an automated scoring system. Utilizing variant allele frequency, disease prevalence and penetrance estimates, and inheritance mode, an automated score was calculated to assess if this variant is too frequent to cause the disease. Based on the score and internal cut-off values, a variant classified as benign is not then subjected to further curation. The score for this variant resulted in a classification of benign for this disease.

Illumina Laboratory Services, Illumina
Classification: Benign for Primary open angle glaucoma. Last evaluated: 2018-01-13. Review status: criteria provided, single submitter. Criteria: ICSL Variant Classification Criteria 13 December 2019. Collection method: clinical testing. Allele origin: germline.
Comment: the same text as in the submission from Illumina Laboratory Services, Illumina above.

Breakthrough Genomics
Classification: Benign. Review status: criteria provided, single submitter. Criteria: ACMG Guidelines, 2015. Collection method: not provided. Allele origin: germline. Inheritance: Autosomal recessive inheritance. Affected: yes.

NM_021980.4(OPTN):c.-161T>C

Genes: OPTN (optineurin; plus strand), LOC130003370 (ATAC-STARR-seq lymphoblastoid silent region 2150; plus strand). Cytogenetic location: 10p13.
Variant type: single nucleotide variant.
Coding change: c.-161T>C on transcript NM_021980.4; 161 bases upstream of the start codon, T replaced by C.
Molecular consequence: 5 prime UTR variant.
Genome position (GRCh38, 1-based): chr10:13,100,153, T>C. VCF-style: chr10-13100153-T-C. GRCh37 (hg19) VCF-style: chr10-13142153-T-C.
Other names: c.-382T>C (NM_001008211.1); c.-367T>C (NM_001008213.1).
Identifiers: ClinVar variation 299202 (VCV000299202.8), dbSNP rs71492279, ClinGen allele CA10631195.
Genomic context (GRCh38, chr10:13,100,153, plus strand): 5'-GGAGCGGCTGGCTGTCAGCTGAGCCGCGCTGGGCGGGGTCGCCAGGCCGCGCATCAGCCC[T>C]AGGCACCCCAGTCCCGGCTGCCCCCTCCGCCACCGCCGCCGCCCGCCGGCAGGTTCCCTG-3'